The following is an entry in ClinVar:

NM_000179.3(MSH6):c.2485G>C (p.Gly829Arg)

Gene: MSH6 (mutS homolog 6; plus strand). Cytogenetic location: 2p16.3.
Variant type: single nucleotide variant.
Coding change: c.2485G>C on transcript NM_000179.3 (MANE Select); coding-DNA position 2485, G replaced by C.
Protein change: p.Gly829Arg; replaces glycine 829 with arginine.
Molecular consequence: missense variant. On other transcripts: non-coding transcript variant (5), intron variant (3).
Genome position (GRCh38, 1-based): chr2:47,800,468, G>C. VCF-style: chr2-47800468-G-C. GRCh37 (hg19) VCF-style: chr2-48027607-G-C.
Other names: c.2095G>C, p.Gly699Arg (NM_001281492.2); c.1579G>C, p.Gly527Arg (NM_001281493.2, NM_001281494.2, NM_001406823.1 and 6 more transcripts); c.2581G>C, p.Gly861Arg (NM_001406795.1, NM_001406802.1); c.2485G>C, p.Gly829Arg (NM_001406796.1, NM_001406798.1, NM_001406800.1 and 2 more transcripts); c.2188G>C, p.Gly730Arg (NM_001406797.1, NM_001406801.1, NM_001406805.1 and 10 more transcripts); c.1960G>C, p.Gly654Arg (NM_001406799.1, NM_001406806.1, NM_001406807.1); c.2407G>C, p.Gly803Arg (NM_001406804.1); c.2317G>C, p.Gly773Arg (NM_001406826.1); and 4 more; short protein forms G699R, G829R, G861R, G527R, G730R, G773R, G831R, G654R.
Identifiers: ClinVar variation 3296407 (VCV003296407.1).

ClinVar aggregate classification (germline): Uncertain significance (1 of 4 stars; one submission).

Conditions:
Hereditary cancer-predisposing syndrome. Also called: Tumor predisposition; Hereditary Cancer Syndrome; Hereditary neoplastic syndrome; Neoplastic Syndromes, Hereditary. Identifiers: Orphanet 140162, MedGen C0027672, MeSH D009386, MONDO:0015356.

Submission:

Ambry Genetics
Classification: Uncertain significance for Hereditary cancer-predisposing syndrome. Last evaluated: 2024-05-24. Review status: criteria provided, single submitter. Criteria: Ambry Variant Classification Scheme 2023. Collection method: clinical testing. Allele origin: germline.
Comment: The p.G829R variant (also known as c.2485G>C), located in coding exon 4 of the MSH6 gene, results from a G to C substitution at nucleotide position 2485. The glycine at codon 829 is replaced by arginine, an amino acid with dissimilar properties. This amino acid position is conserved. In addition, this alteration is predicted to be deleterious by in silico analysis. Based on the available evidence, the clinical significance of this variant remains unclear.